The following is an entry in ClinVar:

ClinVar aggregate classification (germline): Uncertain significance (1 of 4 stars; one submission).

Allele frequency attached by ClinVar (database versions not stated): gnomAD exomes below 0.00001; gnomAD 0.00001; TOPMed 0.00001.
gnomAD v4.1: 4 of 1,596,108 alleles (0.00025%); highest among the groups gnomAD compares: Admixed American, 0.0018%; no homozygotes.

Submission:

GeneDx
Classification: Uncertain significance. Last evaluated: 2020-12-28. Review status: criteria provided, single submitter. Criteria: GeneDx Variant Classification Process June 2021. Collection method: clinical testing. Allele origin: germline. Affected: yes.
Comment: Not observed in large population cohorts (Lek et al., 2016); In silico analysis supports a deleterious effect on splicing; Has not been previously published as pathogenic or benign to our knowledge; This variant is associated with the following publications: (PMID: 30214071)

NM_015114.3(ANKLE2):c.1042-3C>G

Gene: ANKLE2 (ankyrin repeat and LEM domain containing 2; minus strand). Cytogenetic location: 12q24.33.
Variant type: single nucleotide variant.
Coding change: c.1042-3C>G on transcript NM_015114.3 (MANE Select); 3 bases into the intron before coding-DNA position 1042, C replaced by G.
Molecular consequence: intron variant.
Genome position (GRCh38, 1-based): chr12:132,748,023, G>C on the plus strand (C>G on the coding strand, the complement: ANKLE2 is on the minus strand). VCF-style: chr12-132748023-G-C. GRCh37 (hg19) VCF-style: chr12-133324609-G-C.
Identifiers: ClinVar variation 1313754 (VCV001313754.2), dbSNP rs2044275876, ClinGen allele CA953540537.